The following is an entry in ClinVar:

NM_000075.4(CDK4):c.469G>T (p.Ala157Ser)

Gene: CDK4 (cyclin dependent kinase 4; minus strand). Cytogenetic location: 12q14.1.
Variant type: single nucleotide variant.
Coding change: c.469G>T on transcript NM_000075.4 (MANE Select); coding-DNA position 469, G replaced by T.
Protein change: p.Ala157Ser; replaces alanine 157 with serine.
Molecular consequence: missense variant.
Genome position (GRCh38, 1-based): chr12:57,750,976, C>A on the plus strand (G>T on the coding strand, the complement: CDK4 is on the minus strand). VCF-style: chr12-57750976-C-A. GRCh37 (hg19) VCF-style: chr12-58144759-C-A.
Other names: short protein forms A157S.
Identifiers: ClinVar variation 2452471 (VCV002452471.2), dbSNP rs2140386440, ClinGen allele CA385546336.
Genomic context (GRCh38, chr12:57,750,976, plus strand): 5'-TACTGACCACGGGTGTAAGTGCCATCTGGTAGCTGTAGATTCTGGCCAGGCCAAAGTCAG[C>A]CAGCTTGACTGTTCCACCACTTGTCACCAGAATGTTCTCTGGCTTCAGATCTCGGTGAAC-3'
Protein context (NP_000066.1, residues 147-167): LVTSGGTVKL[Ala157Ser]DFGLARIYSY

ClinVar aggregate classification (germline): Uncertain significance (1 of 4 stars; one submission).

Conditions:
Hereditary cancer-predisposing syndrome. Also called: Neoplastic Syndromes, Hereditary; Tumor predisposition; Hereditary neoplastic syndrome; Hereditary Cancer Syndrome. Identifiers: Orphanet 140162, MedGen C0027672, MeSH D009386, MONDO:0015356.

Submission:

Ambry Genetics
Classification: Uncertain significance for Hereditary cancer-predisposing syndrome. Last evaluated: 2022-12-18. Review status: criteria provided, single submitter. Criteria: Ambry Variant Classification Scheme 2023. Collection method: clinical testing. Allele origin: germline.
Comment: The p.A157S variant (also known as c.469G>T), located in coding exon 3 of the CDK4 gene, results from a G to T substitution at nucleotide position 469. The alanine at codon 157 is replaced by serine, an amino acid with similar properties. This amino acid position is conserved. In addition, the in silico prediction for this alteration is inconclusive. Since supporting evidence is limited at this time, the clinical significance of this alteration remains unclear.